The following is an entry in ClinVar:

NM_003482.4(KMT2D):c.1459C>T (p.Arg487Trp)

Gene: KMT2D (lysine methyltransferase 2D; minus strand). Cytogenetic location: 12q13.12.
Variant type: single nucleotide variant.
Coding change: c.1459C>T on transcript NM_003482.4 (MANE Select); coding-DNA position 1459, C replaced by T.
Protein change: p.Arg487Trp; replaces arginine 487 with tryptophan.
Molecular consequence: missense variant.
Genome position (GRCh38, 1-based): chr12:49,052,224, G>A on the plus strand (C>T on the coding strand, the complement: KMT2D is on the minus strand). VCF-style: chr12-49052224-G-A. GRCh37 (hg19) VCF-style: chr12-49446007-G-A.
Other names: c.1459C>T (NM_003482.3); short protein forms R487W.
Identifiers: ClinVar variation 1026426 (VCV001026426.8), dbSNP rs367559440, ClinGen allele CA6548480.

ClinVar aggregate classification (germline): Benign/Likely benign. Review status: criteria provided, multiple submitters, no conflicts (2 of 4 stars). 2 submissions from 2 submitters: Benign (1); Likely benign (1). Last evaluated 2026-01-26.

Conditions:
Kabuki syndrome. Also called: Kabuki make-up syndrome; NIIKAWA-KUROKI SYNDROME. Identifiers: Orphanet 2322, MedGen C0796004, MONDO:0016512.
KMT2D-related disorder. Also called: KMT2D-Related Disorders.

Allele frequency attached by ClinVar (database versions not stated): ExAC 0.00004; gnomAD exomes 0.00004; TOPMed 0.00019; gnomAD 0.00022; ESP Exome Variant Server 0.00024.
gnomAD v4.1: 58 of 1,613,012 alleles (0.0036%); highest among the groups gnomAD compares: African/African-American, 0.059%; no homozygotes.

Submissions (2):

Labcorp Genetics (formerly Invitae), Labcorp
Classification: Benign for Kabuki syndrome. Last evaluated: 2026-01-26. Review status: criteria provided, single submitter. Criteria: Invitae Variant Classification Sherloc (09022015). Collection method: clinical testing. Allele origin: germline.

PreventionGenetics, part of Exact Sciences
Classification: Likely benign for KMT2D-related condition. Last evaluated: 2025-07-07. Review status: criteria provided, single submitter. Criteria: ACMG Guidelines, 2015. Collection method: clinical testing. Allele origin: germline.
Comment: This variant is classified as likely benign based on ACMG/AMP sequence variant interpretation guidelines (Richards et al. 2015 PMID: 25741868, with internal and published modifications).